The following is an entry in ClinVar:

ClinVar aggregate classification (germline): Conflicting classifications of pathogenicity. Review status: criteria provided, conflicting classifications (1 of 4 stars). 5 submissions from 5 submitters: Uncertain significance (3); Likely benign (2). Last evaluated 2026-09-01.

Conditions:
Wilson disease (WND). Also called: Wilson's disease. Identifiers: Orphanet 905, MedGen C0019202, MONDO:0010200, OMIM 277900. Disease mechanism: loss of function.

Allele frequency attached by ClinVar (database versions not stated): ExAC 0.00001; gnomAD exomes 0.00001; gnomAD 0.00003; TOPMed 0.00003.
gnomAD v4.1: 17 of 1,613,952 alleles (0.0011%); highest among the groups gnomAD compares: African/African-American, 0.004%; no homozygotes.

Submissions (5):

CeGaT Center for Human Genetics Tuebingen
Classification: Likely benign. Last evaluated: 2026-09-01. Review status: criteria provided, single submitter. Criteria: CeGaT Center For Human Genetics Tuebingen Variant Classification Criteria Version 2. Collection method: clinical testing. Allele origin: germline. Affected: yes. Observed: 3 variant alleles.
Comment: ATP7B: BP4, BP7

Labcorp Genetics (formerly Invitae), Labcorp
Classification: Likely benign for Wilson disease. Last evaluated: 2026-01-09. Review status: criteria provided, single submitter. Criteria: Invitae Variant Classification Sherloc (09022015). Collection method: clinical testing. Allele origin: germline.

Color Diagnostics, LLC DBA Color Health
Classification: Uncertain significance for Wilson disease. Last evaluated: 2025-06-19. Review status: criteria provided, single submitter. Criteria: ACMG Guidelines, 2015. Collection method: clinical testing. Allele origin: germline.
Comment: This synonymous variant causes a C to T nucleotide change in exon 18 of the ATP7B protein. An RNA study using minigene assays ha shown this variant to cause partial skipping of exon 18 (PMID: 33719328). This variant has not been reported in individuals affected with Wilson disease in the literature. This variant has been identified in 3/249434 chromosomes in the general population by the Genome Aggregation Database (gnomAD). The available evidence is insufficient to determine the role of this variant in disease conclusively. Therefore, this variant is classified as a Variant of Uncertain Significance.

Fulgent Genetics
Classification: Uncertain significance for Wilson disease. Last evaluated: 2024-02-07. Review status: criteria provided, single submitter. Criteria: ACMG Guidelines, 2015. Collection method: clinical testing. Allele origin: germline.

All of Us Research Program, National Institutes of Health
Classification: Uncertain significance for Wilson disease. Last evaluated: 2024-01-11. Review status: criteria provided, single submitter. Criteria: ACMG Guidelines, 2015. Collection method: clinical testing. Allele origin: germline. Inheritance: Autosomal recessive inheritance. Observed: 7 variant alleles, 7 heterozygotes.
Comment: This synonymous variant causes a C>T nucleotide change in exon 18 of the ATP7B protein. Studies in minigene assays showed this variant induced skipping of exon 18 (PMID: 33719328). This variant has not been reported in individuals affected with Wilson disease in the literature. This variant has been identified in 3/249434 chromosomes in the general population by the Genome Aggregation Database (gnomAD). The available evidence is insufficient to determine the role of this variant in disease conclusively. Therefore, this variant is classified as a Variant of Uncertain Significance.

This study involves interpretation of variants in research participants for the purpose of population health screening. Participant phenotype was not available at the time of variant classification. Additional details can be found in publication PMID: 35346344, PMCID: PMC8962531

Literature cited by the submitters: PubMed 33719328 (cited by Color Diagnostics, LLC DBA Color Health and All of Us Research Program, National Institutes of Health).

NM_000053.4(ATP7B):c.3888C>T (p.Asp1296=)

Gene: ATP7B (ATPase copper transporting beta; minus strand). Cytogenetic location: 13q14.3.
Variant type: single nucleotide variant.
Coding change: c.3888C>T on transcript NM_000053.4 (MANE Select); coding-DNA position 3888, C replaced by T.
Protein change: p.Asp1296=; no amino-acid change (aspartic acid 1296 retained).
Molecular consequence: synonymous variant.
Genome position (GRCh38, 1-based): chr13:51,937,491, G>A on the plus strand (C>T on the coding strand, the complement: ATP7B is on the minus strand). VCF-style: chr13-51937491-G-A. GRCh37 (hg19) VCF-style: chr13-52511627-G-A.
Other names: c.3267C>T, p.Asp1089= (NM_001005918.3); c.3555C>T, p.Asp1185= (NM_001243182.2); c.3654C>T, p.Asp1218= (NM_001330578.2); c.3636C>T, p.Asp1212= (NM_001330579.2).
Identifiers: ClinVar variation 755711 (VCV000755711.13), dbSNP rs772616533, ClinGen allele CA6988549.